The following is an entry in ClinVar:

NM_014727.3(KMT2B):c.4437G>A (p.Ser1479=)

Gene: KMT2B (lysine methyltransferase 2B; plus strand). Cytogenetic location: 19q13.12.
Variant type: single nucleotide variant.
Coding change: c.4437G>A on transcript NM_014727.3 (MANE Select); coding-DNA position 4437, G replaced by A.
Protein change: p.Ser1479=; no amino-acid change (serine 1479 retained).
Molecular consequence: synonymous variant.
Genome position (GRCh38, 1-based): chr19:35,727,925, G>A. VCF-style: chr19-35727925-G-A. GRCh37 (hg19) VCF-style: chr19-36218826-G-A.
Identifiers: ClinVar variation 1711480 (VCV001711480.35), dbSNP rs377480201, ClinGen allele CA9385092.

ClinVar aggregate classification (germline): Likely benign. Review status: criteria provided, multiple submitters, no conflicts (2 of 4 stars). 2 submissions from 2 submitters: Likely benign (2). Last evaluated 2025-12-13.

Allele frequency attached by ClinVar (database versions not stated): gnomAD 0.00005; TOPMed 0.00006; ExAC 0.00008; ESP Exome Variant Server 0.00008; gnomAD exomes 0.00009.
gnomAD v4.1: 129 of 1,599,354 alleles (0.0081%); highest among the groups gnomAD compares: Non-Finnish European, 0.0098%; 1 homozygote.

Submissions (2):

Labcorp Genetics (formerly Invitae), Labcorp
Classification: Likely benign. Last evaluated: 2025-12-13. Review status: criteria provided, single submitter. Criteria: Invitae Variant Classification Sherloc (09022015). Collection method: clinical testing. Allele origin: germline.

CeGaT Center for Human Genetics Tuebingen
Classification: Likely benign. Last evaluated: 2022-08-01. Review status: criteria provided, single submitter. Criteria: CeGaT Center For Human Genetics Tuebingen Variant Classification Criteria Version 2. Collection method: clinical testing. Allele origin: germline. Affected: yes. Observed: 1 variant allele.
Comment: KMT2B: BP4, BP7